The following is an entry in ClinVar:

NM_177438.3(DICER1):c.2866C>T (p.Pro956Ser)

Gene: DICER1 (dicer 1, ribonuclease III; minus strand). Cytogenetic location: 14q32.13.
Variant type: single nucleotide variant.
Coding change: c.2866C>T on transcript NM_177438.3 (MANE Select); coding-DNA position 2866, C replaced by T.
Protein change: p.Pro956Ser; replaces proline 956 with serine.
Molecular consequence: missense variant. On other transcripts: non-coding transcript variant (6).
Genome position (GRCh38, 1-based): chr14:95,106,162, G>A on the plus strand (C>T on the coding strand, the complement: DICER1 is on the minus strand). VCF-style: chr14-95106162-G-A. GRCh37 (hg19) VCF-style: chr14-95572499-G-A.
Other names: c.2461C>T, p.Pro821Ser (NM_001395690.1, NM_001395696.1, NM_001395687.1 and 2 more transcripts); c.2299C>T, p.Pro767Ser (NM_001395691.1); c.2866C>T, p.Pro956Ser (NM_001395692.1, NM_001395693.1, NM_001395694.1 and 12 more transcripts); c.1183C>T, p.Pro395Ser (NM_001395697.1); c.2584C>T, p.Pro862Ser (NM_001395686.1); short protein forms P821S, P862S, P395S, P767S, P956S.
Identifiers: ClinVar variation 5035250 (VCV005035250.1).
Genomic context (GRCh38, chr14:95,106,162, plus strand): 5'-ACTTTGTTTTATAATATTCTGCAAAAGTTTCATACTCAGGGGAAGGAAATTTACTGAGTG[G>A]GGTAAGATCAGTGTACACATCAGCTACATAAAATCGATGAGGCTGATCAAAATTGCGATA-3'
Protein context (NP_803187.1, residues 946-966): YVADVYTDLT[Pro956Ser]LSKFPSPEYE

ClinVar aggregate classification (germline): Uncertain significance (1 of 4 stars; one submission).

Conditions:
Hereditary cancer-predisposing syndrome. Also called: Hereditary Cancer Syndrome; Neoplastic Syndromes, Hereditary; Tumor predisposition; Hereditary neoplastic syndrome. Identifiers: Orphanet 140162, MedGen C0027672, MeSH D009386, MONDO:0015356.

gnomAD v4.1: 1 of 1,613,614 alleles (0.000062%); highest among the groups gnomAD compares: South Asian, 0.0011%; no homozygotes.

Submission:

Ambry Genetics
Classification: Uncertain significance for Hereditary cancer-predisposing syndrome. Last evaluated: 2026-07-06. Review status: criteria provided, single submitter. Criteria: Ambry Variant Classification Scheme 2023. Collection method: clinical testing. Allele origin: germline.
Comment: The p.P956S variant (also known as c.2866C>T), located in coding exon 17 of the DICER1 gene, results from a C to T substitution at nucleotide position 2866. The proline at codon 956 is replaced by serine, an amino acid with similar properties. This amino acid position is conserved. In addition, the in silico prediction for this alteration is inconclusive. Based on the available evidence, the clinical significance of this variant remains unclear.